The following is an entry in ClinVar:

ClinVar aggregate classification (germline): Pathogenic (1 of 4 stars; one submission).

Submission:

Labcorp Genetics (formerly Invitae), Labcorp
Classification: Pathogenic. Last evaluated: 2023-12-11. Review status: criteria provided, single submitter. Criteria: Invitae Variant Classification Sherloc (09022015). Collection method: clinical testing. Allele origin: germline.
Comment: This sequence change creates a premature translational stop signal (p.Cys338Trpfs*9) in the DDX41 gene. It is expected to result in an absent or disrupted protein product. Loss-of-function variants in DDX41 are known to be pathogenic (PMID: 26712909, 27133828). This variant is not present in population databases (gnomAD no frequency). This variant has not been reported in the literature in individuals affected with DDX41-related conditions. For these reasons, this variant has been classified as Pathogenic.

Literature cited by the submitters: PubMed 26712909; PubMed 27133828.

NM_016222.4(DDX41):c.1014_1023del (p.Cys338fs)

Gene: DDX41 (DEAD-box helicase 41; minus strand). Cytogenetic location: 5q35.3.
Variant type: Deletion.
Coding change: c.1014_1023del on transcript NM_016222.4 (MANE Select); coding-DNA positions 1014 to 1023, 10 bases deleted (TCGCTACCTG; older notation c.1014_1023delTCGCTACCTG).
Protein change: p.Cys338fs; shifts the reading frame from cysteine 338.
Molecular consequence: frameshift variant.
Genome position (GRCh38, 1-based): chr5:177,513,760-177,513,769, CAGGTAGCGA deleted on the plus strand (TCGCTACCTG on the coding strand, the reverse complement: DDX41 is on the minus strand); deleting any 10 consecutive bases within chr5:177,513,760-177,513,772 gives the same sequence; the c. name uses the placement nearest the transcript's 3' end. VCF-style (leftmost placement, unchanged base first): chr5-177513759-CCAGGTAGCGA-C. GRCh37 (hg19) VCF-style: chr5-176940760-CCAGGTAGCGA-C.
Other names: c.636_645del, p.Cys212fs (NM_001321732.2, NM_001321830.2); short protein forms C212fs, C338fs.
Identifiers: ClinVar variation 2812431 (VCV002812431.3), dbSNP rs1761093088, ClinGen allele CA1603613926.